The following is an entry in ClinVar:

ClinVar aggregate classification (germline): Uncertain significance. Review status: criteria provided, multiple submitters, no conflicts (2 of 4 stars). 4 submissions from 4 submitters: Uncertain significance (4). Last evaluated 2025-04-14.

Conditions:
Inborn genetic diseases. Identifiers: MedGen C0950123, MeSH D030342.
Infantile cerebral and cerebellar atrophy with postnatal progressive microcephaly (MSBA). Identifiers: Orphanet 402364, MedGen C3150921, MONDO:0013351, OMIM 613668.

Allele frequency attached by ClinVar (database versions not stated): ESP Exome Variant Server 0.00008; gnomAD 0.00008; ExAC 0.00010; TOPMed 0.00011.

Submissions (4):

Ambry Genetics
Classification: Uncertain significance for Inborn genetic diseases. Last evaluated: 2025-04-14. Review status: criteria provided, single submitter. Criteria: Ambry Variant Classification Scheme 2023. Collection method: clinical testing. Allele origin: germline.

Mayo Clinic Laboratories, Mayo Clinic
Classification: Uncertain significance. Last evaluated: 2024-05-17. Review status: criteria provided, single submitter. Criteria: ACMG Guidelines, 2015. Collection method: clinical testing. Allele origin: germline. Observed: 1 variant allele.

Neuberg Centre For Genomic Medicine, NCGM
Classification: Uncertain significance for Infantile cerebral and cerebellar atrophy with postnatal progressive microcephaly. Last evaluated: 2023-05-20. Review status: criteria provided, single submitter. Criteria: ACMG Guidelines, 2015. Collection method: clinical testing. Allele origin: germline. Inheritance: Autosomal recessive inheritance. Affected: yes.
Comment: The observed missense c.727C>T(p.Leu243Phe) variant in MED17 gene has not been reported previously as a pathogenic variant nor as a benign variant, to our knowledge. This variant is present with an allele frequency of 0.01% in gnomAD Exomes database. This variant has been submitted to ClinVar as Uncertain Significance. Multiple lines of computational evidence (Polyphen - probably damaging , SIFT - damaging and MutationTaster - disease causing) predict a damaging effect on protein structure and function for this variant. The reference amino acid is predicted as conserved by GERP++ and PhyloP across 100 vertebrates. The amino acid Leu at position 243 is changed to a Phe changing protein sequence and it might alter its composition and physico-chemical properties. For these reasons, this variant has been classified as Uncertain Significance (VUS).

Labcorp Genetics (formerly Invitae), Labcorp
Classification: Uncertain significance. Last evaluated: 2021-09-24. Review status: criteria provided, single submitter. Criteria: Invitae Variant Classification Sherloc (09022015). Collection method: clinical testing. Allele origin: germline.
Comment: This sequence change replaces leucine with phenylalanine at codon 243 of the MED17 protein (p.Leu243Phe). The leucine residue is highly conserved and there is a small physicochemical difference between leucine and phenylalanine. This variant is present in population databases (rs201499695, ExAC 0.02%). This variant has not been reported in the literature in individuals with MED17-related disease. Algorithms developed to predict the effect of missense changes on protein structure and function are either unavailable or do not agree on the potential impact of this missense change (SIFT: "Deleterious"; PolyPhen-2: "Probably Damaging"; Align-GVGD: "Class C0"). In summary, the available evidence is currently insufficient to determine the role of this variant in disease. Therefore, it has been classified as a Variant of Uncertain Significance.

NM_004268.5(MED17):c.727C>T (p.Leu243Phe)

Gene: MED17 (mediator complex subunit 17; plus strand). Cytogenetic location: 11q21.
Variant type: single nucleotide variant.
Coding change: c.727C>T on transcript NM_004268.5 (MANE Select); coding-DNA position 727, C replaced by T.
Protein change: p.Leu243Phe; replaces leucine 243 with phenylalanine.
Molecular consequence: missense variant.
Genome position (GRCh38, 1-based): chr11:93,793,817, C>T. VCF-style: chr11-93793817-C-T. GRCh37 (hg19) VCF-style: chr11-93526983-C-T.
Other names: p.Leu243Phe; c.727C>T (NM_004268.4); short protein forms L243F.
Identifiers: ClinVar variation 2201626 (VCV002201626.5), dbSNP rs201499695, ClinGen allele CA6232399.